The following is an entry in ClinVar:

ClinVar aggregate classification (germline): Conflicting classifications of pathogenicity. Review status: criteria provided, conflicting classifications (1 of 4 stars). 2 submissions from 2 submitters: Likely pathogenic (1); Uncertain significance (1). Last evaluated 2021-02-01.

Allele frequency attached by ClinVar (database versions not stated): gnomAD exomes below 0.00001; TOPMed below 0.00001.
gnomAD v4.1: 1 of 1,614,000 alleles (0.000062%); highest among the groups gnomAD compares: Non-Finnish European, 0.000085%; no homozygotes.

Submissions (2):

Genetics and Personalized Medicine, Danish Epilepsy Center
Classification: Likely pathogenic. Last evaluated: 2021-02-01. Review status: criteria provided, single submitter. Criteria: ACMG Guidelines, 2015. Collection method: clinical testing. Allele origin: de novo. Affected: yes. Observed: 1 variant allele.
Comment: Interpretation based on ACMG guidelines from 2015 (PS2+PM1+PM2+PP3)

Blueprint Genetics
Classification: Uncertain significance. Last evaluated: 2020-11-20. Review status: criteria provided, single submitter. Criteria: ACMG Guidelines, 2015. Collection method: clinical testing. Allele origin: germline.

NM_198859.4(PRICKLE2):c.122C>T (p.Pro41Leu)

Genes: PRICKLE2 (prickle planar cell polarity protein 2; minus strand), PRICKLE2-AS3 (PRICKLE2 antisense RNA 3; plus strand). Cytogenetic location: 3p14.1.
Variant type: single nucleotide variant.
Coding change: c.122C>T on transcript NM_198859.4 (MANE Select); coding-DNA position 122, C replaced by T.
Protein change: p.Pro41Leu; replaces proline 41 with leucine.
Molecular consequence: missense variant. On other transcripts: non-coding transcript variant (1).
Genome position (GRCh38, 1-based): chr3:64,198,806, G>A on the plus strand (C>T on the coding strand, the complement: PRICKLE2 is on the minus strand). VCF-style: chr3-64198806-G-A. GRCh37 (hg19) VCF-style: chr3-64184482-G-A.
Other names: c.122C>T, p.Pro41Leu (NM_001370528.1); short protein forms P41L.
Identifiers: ClinVar variation 1064438 (VCV001064438.2), dbSNP rs2078512215, ClinGen allele CA353540928.